The following is an entry in ClinVar:

NC_000010.10:g.(?_27388994)_(27389427_?)del

Gene: ANKRD26 (ankyrin repeat domain containing 26; minus strand). Cytogenetic location: 10p12.1.
Variant type: Deletion.
Identifiers: ClinVar variation 3244990 (VCV003244990.1).

ClinVar aggregate classification (germline): Uncertain significance (1 of 4 stars; one submission).

Submission:

Labcorp Genetics (formerly Invitae), Labcorp
Classification: Uncertain significance. Last evaluated: 2023-06-25. Review status: criteria provided, single submitter. Criteria: Invitae Variant Classification Sherloc (09022015). Collection method: clinical testing. Allele origin: unknown.
Comment: In summary, the available evidence is currently insufficient to determine the role of this variant in disease. Therefore, it has been classified as a Variant of Uncertain Significance. This variant has not been reported in the literature in individuals affected with ANKRD26-related conditions. This variant is a gross deletion of the genomic region encompassing exon(s) 1 of the ANKRD26 gene, which includes the initiator codon. This deletion extends beyond the assayed region for this gene and therefore may encompass additional genes. It is expected to result in an absent or disrupted protein product. However, the current clinical and genetic evidence is not sufficient to establish whether loss-of-function variants in ANKRD26 cause disease.